The following is an entry in ClinVar:

NM_000043.6(FAS):c.*582T>G

Gene: FAS (Fas cell surface death receptor; plus strand). Cytogenetic location: 10q23.31.
Variant type: single nucleotide variant.
Coding change: c.*582T>G on transcript NM_000043.6 (MANE Select); 582 bases downstream of the stop codon, T replaced by G.
Molecular consequence: 3 prime UTR variant. On other transcripts: non-coding transcript variant (7).
Genome position (GRCh38, 1-based): chr10:89,015,032, T>G. VCF-style: chr10-89015032-T-G. GRCh37 (hg19) VCF-style: chr10-90774789-T-G.
Other names: c.*913T>G (NM_001320619.2); c.*582T>G (NM_152871.4); c.*902T>G (NM_152872.4).
Identifiers: ClinVar variation 301539 (VCV000301539.5), dbSNP rs542335688, ClinGen allele CA5593276.
Genomic context (GRCh38, chr10:89,015,032, plus strand): 5'-TATGTATTTGAGTGCAGAATTTAAATAAGGCTCTACCTCAAAGACCTTTGCACAGTTTAT[T>G]GGTGTCATATTATACAATATTTCAATTGTGAATTCACATAGAAAACATTAAATTATAATG-3'

ClinVar aggregate classification (germline): Benign (1 of 4 stars; one submission).

Conditions:
Autoimmune lymphoproliferative syndrome type 1. Also called: AUTOIMMUNE LYMPHOPROLIFERATIVE SYNDROME, TYPE I, AUTOSOMAL DOMINANT. Identifiers: Orphanet 3261, MedGen C2717884, MONDO:0011158, OMIM 601859.

Allele frequency attached by ClinVar (database versions not stated): gnomAD exomes 0.00088 and 0.00116; ExAC 0.00363; gnomAD 0.00023 and 0.00034; TOPMed 0.00035; 1000 Genomes Project 0.00100; 1000 Genomes Project 30x 0.00125.
gnomAD v4.1: 396 of 533,838 alleles (0.074%); highest among the groups gnomAD compares: South Asian, 0.25%; 6 homozygotes.

Submission:

Illumina Laboratory Services, Illumina
Classification: Benign for Autoimmune lymphoproliferative syndrome type 1. Last evaluated: 2018-01-13. Review status: criteria provided, single submitter. Criteria: ICSL Variant Classification Criteria 13 December 2019. Collection method: clinical testing. Allele origin: germline.
Comment: This variant was observed in the ICSL laboratory as part of a predisposition screen in an ostensibly healthy population. It had not been previously curated by ICSL or reported in the Human Gene Mutation Database (HGMD: prior to June 1st, 2018), and was therefore a candidate for classification through an automated scoring system. Utilizing variant allele frequency, disease prevalence and penetrance estimates, and inheritance mode, an automated score was calculated to assess if this variant is too frequent to cause the disease. Based on the score and internal cut-off values, a variant classified as benign is not then subjected to further curation. The score for this variant resulted in a classification of benign for this disease.